The following is an entry in ClinVar:

NM_004086.3(COCH):c.629+5C>T

Genes: COCH-AS1 (COCH antisense RNA 1; minus strand), COCH (cochlin; plus strand). Cytogenetic location: 14q12.
Variant type: single nucleotide variant.
Coding change: c.629+5C>T on transcript NM_004086.3 (MANE Select); 5 bases into the intron after coding-DNA position 629, C replaced by T.
Molecular consequence: intron variant.
Genome position (GRCh38, 1-based): chr14:30,880,739, C>T. VCF-style: chr14-30880739-C-T. GRCh37 (hg19) VCF-style: chr14-31349945-C-T.
Other names: NM_004086.2(COCH):c.629+5C>T; c.629+5C>T (NM_001135058.1, NM_001135058.2); c.824+5C>T (NM_001347720.2).
Identifiers: ClinVar variation 281981 (VCV000281981.58), dbSNP rs202109231, ClinGen allele CA7143097.

ClinVar aggregate classification (germline): Benign. Review status: reviewed by expert panel (3 of 4 stars). 10 submissions from 10 submitters: Benign (1). 9 of the submissions do not count toward it. Last evaluated 2019-02-25.

Conditions:
COCH-related disorder. Also called: COCH-related condition.
Nonsyndromic genetic hearing loss. Also called: Nonsyndromic hearing loss and deafness; Non-syndromic genetic deafness; Nonsyndromic genetic deafness. Identifiers: Orphanet 87884, MedGen C5680182, MONDO:0019497.
Autosomal dominant nonsyndromic hearing loss 9. Identifiers: Orphanet 90635, MedGen C1832425, MONDO:0011058, OMIM 601369.

Allele frequency attached by ClinVar (database versions not stated): ExAC 0.00085; ESP Exome Variant Server 0.00085; gnomAD exomes 0.00091 and 0.00105; 1000 Genomes Project 0.00100; 1000 Genomes Project 30x 0.00109; gnomAD 0.00110 and 0.00113; TOPMed 0.00117.
gnomAD v4.1: 1,701 of 1,607,586 alleles (0.11%); highest among the groups gnomAD compares: Middle Eastern, 0.25%; 1 homozygote.

Submissions (10):

ClinGen Hearing Loss Variant Curation Expert Panel
Classification: Benign for Nonsyndromic genetic hearing loss. Last evaluated: 2019-02-25. Review status: reviewed by expert panel. Criteria: ClinGen HL ACMG Specifications v1. Collection method: curation. Allele origin: germline. Inheritance: Autosomal dominant inheritance.
Comment: The filtering allele frequency of the c.629+5C>T variant in the COCH gene is 0.1% for European chromosomes by gnomAD (162/126474 with 95% CI), which is a high enough frequency to be classified as benign based on thresholds defined by the ClinGen Hearing Loss Expert Panel for autosomal dominant hearing loss variants (BA1).

Labcorp Genetics (formerly Invitae), Labcorp
Classification: Likely benign. Last evaluated: 2026-01-12. Review status: criteria provided, single submitter. Criteria: Invitae Variant Classification Sherloc (09022015). Collection method: clinical testing. Allele origin: germline. Not counted in ClinVar's aggregate classification.

CeGaT Center for Human Genetics Tuebingen
Classification: Likely benign. Last evaluated: 2025-01-01. Review status: criteria provided, single submitter. Criteria: CeGaT Center For Human Genetics Tuebingen Variant Classification Criteria Version 2. Collection method: clinical testing. Allele origin: germline. Affected: yes. Observed: 2 variant alleles. Not counted in ClinVar's aggregate classification.
Comment: COCH: BP4, BS1

Blueprint Genetics
Classification: Likely benign. Last evaluated: 2024-11-25. Review status: criteria provided, single submitter. Criteria: ACMG Guidelines, 2015. Collection method: clinical testing. Allele origin: germline. Not counted in ClinVar's aggregate classification.

GeneDx
Classification: Likely benign. Last evaluated: 2020-09-17. Review status: criteria provided, single submitter. Criteria: GeneDx Variant Classification Process June 2021. Collection method: clinical testing. Allele origin: germline. Affected: yes. Not counted in ClinVar's aggregate classification.

Laboratory for Molecular Medicine, Mass General Brigham Personalized Medicine
Classification: Benign. Last evaluated: 2018-08-30. Review status: criteria provided, single submitter. Criteria: LMM Criteria. Collection method: clinical testing. Allele origin: germline. Observed: 2 variant alleles. Not counted in ClinVar's aggregate classification.
Comment: The c.629+5C>T variant in COCH is classified as benign because it has been ident ified in 0.13% (162/126474) of European chromosomes by gnomAD. In addition, this variant is located in the 5' splice region, and computational tools do not suggest an impact to splicing. ACMG/AMP Criteria applied: BA1, BP4.

Illumina Laboratory Services, Illumina
Classification: Likely benign for Autosomal dominant nonsyndromic hearing loss 9. Last evaluated: 2018-01-13. Review status: criteria provided, single submitter. Criteria: ICSL Variant Classification Criteria 13 December 2019. Collection method: clinical testing. Allele origin: germline. Not counted in ClinVar's aggregate classification.
Comment: This variant was observed in the ICSL laboratory as part of a predisposition screen in an ostensibly healthy population. It had not been previously curated by ICSL or reported in the Human Gene Mutation Database (HGMD: prior to June 1st, 2018), and was therefore a candidate for classification through an automated scoring system. Utilizing variant allele frequency, disease prevalence and penetrance estimates, and inheritance mode, an automated score was calculated to assess if this variant is too frequent to cause the disease. Based on the score and internal cut-off values, a variant classified as likely benign is not then subjected to further curation. The score for this variant resulted in a classification of likely benign for this disease.

Eurofins Ntd Llc (ga)
Classification: Likely benign. Last evaluated: 2015-07-30. Review status: criteria provided, single submitter. Criteria: EGL Classification Definitions 2015. Collection method: clinical testing. Allele origin: germline. Observed: 1 variant allele, 1 heterozygote. Not counted in ClinVar's aggregate classification.

Breakthrough Genomics
Classification: Benign. Review status: criteria provided, single submitter. Criteria: ACMG Guidelines, 2015. Collection method: not provided. Allele origin: germline. Inheritance: Autosomal recessive inheritance. Affected: yes. Not counted in ClinVar's aggregate classification.

PreventionGenetics, part of Exact Sciences
Classification: Likely benign for COCH-related condition. Last evaluated: 2024-08-28. Review status: no assertion criteria provided. Collection method: clinical testing. Allele origin: germline. Not counted in ClinVar's aggregate classification.
Comment: This variant is classified as likely benign based on ACMG/AMP sequence variant interpretation guidelines (Richards et al. 2015 PMID: 25741868, with internal and published modifications).